The following is an entry in ClinVar:

NM_005228.5(EGFR):c.670C>G (p.Arg224Gly)

Gene: EGFR (epidermal growth factor receptor; plus strand). Cytogenetic location: 7p11.2.
Variant type: single nucleotide variant.
Coding change: c.670C>G on transcript NM_005228.5 (MANE Select); coding-DNA position 670, C replaced by G.
Protein change: p.Arg224Gly; replaces arginine 224 with glycine.
Molecular consequence: missense variant. On other transcripts: intron variant (1).
Genome position (GRCh38, 1-based): chr7:55,152,587, C>G. VCF-style: chr7-55152587-C-G. GRCh37 (hg19) VCF-style: chr7-55220280-C-G.
Other names: c.535C>G, p.Arg179Gly (NM_001346897.2, NM_001346899.2); c.670C>G, p.Arg224Gly (NM_001346898.2, NM_201282.2, NM_201283.2 and 1 more transcripts); c.511C>G, p.Arg171Gly (NM_001346900.2); c.89-3243C>G (NM_001346941.2); short protein forms R179G, R171G, R224G.
Identifiers: ClinVar variation 1506246 (VCV001506246.8), dbSNP rs1785212707, ClinGen allele CA367577404.
Genomic context (GRCh38, chr7:55,152,587, plus strand): 5'-AACCTTTGCTCTTTTTCAGTGACCAAAATCATCTGTGCCCAGCAGTGCTCCGGGCGCTGC[C>G]GTGGCAAGTCCCCCAGTGACTGCTGCCACAACCAGTGTGCTGCAGGCTGCACAGGCCCCC-3'
Protein context (NP_005219.2, residues 214-234): ICAQQCSGRC[Arg224Gly]GKSPSDCCHN

ClinVar aggregate classification (germline): Uncertain significance (1 of 4 stars; one submission).

Conditions:
EGFR-related lung cancer (EGFR). Identifiers: MedGen CN130014.

Submission:

Labcorp Genetics (formerly Invitae), Labcorp
Classification: Uncertain significance for EGFR-related lung cancer. Last evaluated: 2022-08-09. Review status: criteria provided, single submitter. Criteria: Invitae Variant Classification Sherloc (09022015). Collection method: clinical testing. Allele origin: germline.
Comment: In summary, the available evidence is currently insufficient to determine the role of this variant in disease. Therefore, it has been classified as a Variant of Uncertain Significance. Algorithms developed to predict the effect of missense changes on protein structure and function are either unavailable or do not agree on the potential impact of this missense change (SIFT: "Tolerated"; PolyPhen-2: "Probably Damaging"; Align-GVGD: "Class C15"). ClinVar contains an entry for this variant (Variation ID: 1506246). This variant has not been reported in the literature in individuals affected with EGFR-related conditions. This variant is not present in population databases (gnomAD no frequency). This sequence change replaces arginine, which is basic and polar, with glycine, which is neutral and non-polar, at codon 224 of the EGFR protein (p.Arg224Gly).